The following is an entry in ClinVar:

NM_004260.4(RECQL4):c.148C>A (p.Arg50Ser)

Genes: RECQL4 (RecQ like helicase 4; minus strand), LOC130001411 (ATAC-STARR-seq lymphoblastoid silent region 19699; plus strand). Cytogenetic location: 8q24.3.
Variant type: single nucleotide variant.
Coding change: c.148C>A on transcript NM_004260.4 (MANE Select); coding-DNA position 148, C replaced by A.
Protein change: p.Arg50Ser; replaces arginine 50 with serine.
Molecular consequence: missense variant. On other transcripts: 5 prime UTR variant (16), non-coding transcript variant (3), intron variant (2).
Genome position (GRCh38, 1-based): chr8:144,517,479, G>T on the plus strand (C>A on the coding strand, the complement: RECQL4 is on the minus strand). VCF-style: chr8-144517479-G-T. GRCh37 (hg19) VCF-style: chr8-145742863-G-T.
Other names: c.148C>A, p.Arg50Ser (NM_001413017.1, NM_001413018.1, NM_001413019.1 and 5 more transcripts); c.-573C>A (NM_001413021.1); c.-924C>A (NM_001413022.1, NM_001413023.1, NM_001413037.1 and 2 more transcripts); c.-821C>A (NM_001413024.1, NM_001413035.1); c.-986C>A (NM_001413027.1, NM_001413030.1, NM_001413031.1 and 1 more transcripts); c.-649C>A (NM_001413028.1); c.-883C>A (NM_001413032.1); c.-828C>A (NM_001413034.1); and 3 more; short protein forms R50S.
Identifiers: ClinVar variation 3788024 (VCV003788024.1).
Genomic context (GRCh38, chr8:144,517,479, plus strand): 5'-CGGCCGCCGCGGGGAGCGACTCGGAGCTGCGGAGCCCGCCGCCGGCCTGGCCCGTGGTAC[G>T]CTTCAGAGTGCGGTATTCCCGGTAGAGCGCTGCGTGGGCGAGCGGGAGGCGGGGTCAGGG-3'
Protein context (NP_004251.4, residues 40-60): ALYREYRTLK[Arg50Ser]TTGQAGGGLR

ClinVar aggregate classification (germline): Uncertain significance (1 of 4 stars; one submission).

Conditions:
Inborn genetic diseases. Identifiers: MedGen C0950123, MeSH D030342.

gnomAD v4.1: 2 of 1,597,008 alleles (0.00013%); highest among the groups gnomAD compares: Non-Finnish European, 0.000085%; no homozygotes.

Submission:

Ambry Genetics
Classification: Uncertain significance for Inborn genetic diseases. Last evaluated: 2025-02-05. Review status: criteria provided, single submitter. Criteria: Ambry Variant Classification Scheme 2023. Collection method: clinical testing. Allele origin: germline.
Comment: The p.R50S variant (also known as c.148C>A), located in coding exon 3 of the RECQL4 gene, results from a C to A substitution at nucleotide position 148. The arginine at codon 50 is replaced by serine, an amino acid with dissimilar properties. This amino acid position is conserved. In addition, this alteration is predicted to be tolerated by in silico analysis. Based on the available evidence, the clinical significance of this variant remains unclear.